The following is an entry in ClinVar:

NM_004260.4(RECQL4):c.722C>G (p.Ala241Gly)

Gene: RECQL4 (RecQ like helicase 4; minus strand). Cytogenetic location: 8q24.3.
Variant type: single nucleotide variant.
Coding change: c.722C>G on transcript NM_004260.4 (MANE Select); coding-DNA position 722, C replaced by G.
Protein change: p.Ala241Gly; replaces alanine 241 with glycine.
Molecular consequence: missense variant.
Genome position (GRCh38, 1-based): chr8:144,516,397, G>C on the plus strand (C>G on the coding strand, the complement: RECQL4 is on the minus strand). VCF-style: chr8-144516397-G-C. GRCh37 (hg19) VCF-style: chr8-145741781-G-C.
Other names: short protein forms A241G.
Identifiers: ClinVar variation 1000451 (VCV001000451.5), dbSNP rs749435879, ClinGen allele CA372689520.

ClinVar aggregate classification (germline): Uncertain significance (1 of 4 stars; one submission).

Conditions:
Baller-Gerold syndrome (BGS). Also called: CRANIOSYNOSTOSIS WITH RADIAL DEFECTS. Identifiers: Orphanet 1225, MedGen C0265308, MONDO:0009039, OMIM 218600.

Submission:

Labcorp Genetics (formerly Invitae), Labcorp
Classification: Uncertain significance for Baller-Gerold syndrome. Last evaluated: 2023-10-28. Review status: criteria provided, single submitter. Criteria: Invitae Variant Classification Sherloc (09022015). Collection method: clinical testing. Allele origin: germline.
Comment: This sequence change replaces alanine, which is neutral and non-polar, with glycine, which is neutral and non-polar, at codon 241 of the RECQL4 protein (p.Ala241Gly). This variant is not present in population databases (gnomAD no frequency). This variant has not been reported in the literature in individuals affected with RECQL4-related conditions. ClinVar contains an entry for this variant (Variation ID: 1000451). Advanced modeling of protein sequence and biophysical properties (such as structural, functional, and spatial information, amino acid conservation, physicochemical variation, residue mobility, and thermodynamic stability) performed at Invitae indicates that this missense variant is not expected to disrupt RECQL4 protein function with a negative predictive value of 80%. In summary, the available evidence is currently insufficient to determine the role of this variant in disease. Therefore, it has been classified as a Variant of Uncertain Significance.